The following is an entry in ClinVar:

ClinVar aggregate classification (germline): Likely benign. Review status: criteria provided, multiple submitters, no conflicts (2 of 4 stars). 2 submissions from 2 submitters: Likely benign (2). Last evaluated 2024-12-30.

gnomAD v4.1: 187 of 1,541,880 alleles (0.012%); highest among the groups gnomAD compares: African/African-American, 0.18%; no homozygotes.

Submissions (2):

Mayo Clinic Laboratories, Mayo Clinic
Classification: Likely benign. Last evaluated: 2024-12-30. Review status: criteria provided, single submitter. Criteria: ACMG Guidelines, 2015. Collection method: clinical testing. Allele origin: germline. Observed: 2 variant alleles.
Comment: BS1, BP4, BP7

Blueprint Genetics
Classification: Likely benign. Last evaluated: 2024-10-07. Review status: criteria provided, single submitter. Criteria: ACMG Guidelines, 2015. Collection method: clinical testing. Allele origin: germline.

NM_001009944.3(PKD1):c.7065+10G>A

Gene: PKD1 (polycystin 1, transient receptor potential channel interacting; minus strand). Cytogenetic location: 16p13.3.
Variant type: single nucleotide variant.
Coding change: c.7065+10G>A on transcript NM_001009944.3 (MANE Select); 10 bases into the intron after coding-DNA position 7065, G replaced by A.
Molecular consequence: intron variant.
Genome position (GRCh38, 1-based): chr16:2,107,873, C>T on the plus strand (G>A on the coding strand, the complement: PKD1 is on the minus strand). VCF-style: chr16-2107873-C-T. GRCh37 (hg19) VCF-style: chr16-2157874-C-T.
Other names: p.?; c.7065+10G>A (NM_000296.4).
Identifiers: ClinVar variation 4684050 (VCV004684050.2).